The following is an entry in ClinVar:

NM_001356.5(DDX3X):c.976C>G (p.Arg326Gly)

Gene: DDX3X (DEAD-box helicase 3 X-linked; plus strand). Cytogenetic location: Xp11.4.
Variant type: single nucleotide variant.
Coding change: c.976C>G on transcript NM_001356.5 (MANE Select); coding-DNA position 976, C replaced by G.
Protein change: p.Arg326Gly; replaces arginine 326 with glycine.
Molecular consequence: missense variant. On other transcripts: non-coding transcript variant (1).
Genome position (GRCh38, 1-based): chrX:41,344,350, C>G. VCF-style: chrX-41344350-C-G. GRCh37 (hg19) VCF-style: chrX-41203603-C-G.
Other names: c.976C>G, p.Arg326Gly (NM_001193416.3); c.928C>G, p.Arg310Gly (NM_001193417.3); c.418C>G, p.Arg140Gly (NM_001363819.1); short protein forms R140G, R310G, R326G.
Identifiers: ClinVar variation 4530069 (VCV004530069.1).

ClinVar aggregate classification (somatic clinical impact): Tier I - Strong (1 of 4 stars; one submission).

Conditions:
Medulloblastoma WNT activated. Identifiers: MedGen C4331965, MONDO:0850196.

Submission:

Institute for Genomic Medicine (IGM) Clinical Laboratory, Nationwide Children's Hospital
Classification: Tier I - Strong for Medulloblastoma WNT activated. Assertion type: diagnostic. Clinical significance: supports diagnosis. Last evaluated: 2023-04-11. Review status: criteria provided, single submitter. Criteria: AMP/ASCO/CAP Guidelines, 2017. Collection method: clinical testing. Allele origin: somatic. Affected: yes.
Comment: Variant has Tier I (strong) clinical significance as a diagnostic inclusion criterion in medulloblastoma WNT activated, based on the following evidence: 1) Appears in one or more well-established professional guidelines (e.g., World Health Organization [WHO]; National Comprehensive Cancer Network [NCCN]) as providing diagnostic, prognostic, or therapeutic information. 2) Diagnostic for a specific tumor type/classification based on well-powered studies with expert-level consensus (Evidence Level B; PMIDs: 22832583, 22722829, 28726821, 22820256).

Literature cited by the submitters: PubMed 22832583; PubMed 22722829; PubMed 28726821; PubMed 22820256.